The following is an entry in ClinVar:

NM_001165963.4(SCN1A):c.5995C>T (p.Gln1999Ter)

Genes: SCN1A (sodium voltage-gated channel alpha subunit 1; minus strand), LOC102724058 (uncharacterized LOC102724058; plus strand). Cytogenetic location: 2q24.3.
Variant type: single nucleotide variant.
Coding change: c.5995C>T on transcript NM_001165963.4 (MANE Select); coding-DNA position 5995, C replaced by T.
Protein change: p.Gln1999Ter; replaces glutamine 1999 with a stop codon.
Molecular consequence: nonsense. On other transcripts: non-coding transcript variant (1).
Genome position (GRCh38, 1-based): chr2:165,991,280, G>A on the plus strand (C>T on the coding strand, the complement: SCN1A is on the minus strand). VCF-style: chr2-165991280-G-A. GRCh37 (hg19) VCF-style: chr2-166847790-G-A.
Other names: c.5911C>T, p.Gln1971Ter (NM_001165964.3, NM_001353957.2, NM_001353958.2); c.5995C>T, p.Gln1999Ter (NM_001202435.3, NM_001353948.2); c.5962C>T, p.Gln1988Ter (NM_001353949.2, NM_001353950.2, NM_001353951.2 and 2 more transcripts); c.5959C>T, p.Gln1987Ter (NM_001353954.2, NM_001353955.2); c.5908C>T, p.Gln1970Ter (NM_001353960.2); c.3553C>T, p.Gln1185Ter (NM_001353961.2); short protein forms Q1988*, Q1999*, Q1970*, Q1987*, Q1971*, Q1185*.
Identifiers: ClinVar variation 588859 (VCV000588859.8), dbSNP rs933130550, ClinGen allele CA59797677.

ClinVar aggregate classification (germline): Uncertain significance. Review status: criteria provided, multiple submitters, no conflicts (2 of 4 stars). 3 submissions from 3 submitters: Uncertain significance (3). Last evaluated 2024-12-26.

Conditions:
Early-infantile DEE. Also called: Early infantile epileptic encephalopathy; Ohtahara syndrome; Early infantile epileptic encephalopathy with suppression bursts. Identifiers: Orphanet 1934, MedGen C0393706, MONDO:0800491.
Inborn genetic diseases. Identifiers: MedGen C0950123, MeSH D030342.

Allele frequency attached by ClinVar (database versions not stated): gnomAD exomes below 0.00001 and 0.00001; gnomAD 0.00001.
gnomAD v4.1: 7 of 1,613,072 alleles (0.00043%); highest among the groups gnomAD compares: African/African-American, 0.0027%; no homozygotes.

Submissions (3):

Labcorp Genetics (formerly Invitae), Labcorp
Classification: Uncertain significance for Early-infantile DEE. Last evaluated: 2024-12-26. Review status: criteria provided, single submitter. Criteria: Invitae Variant Classification Sherloc (09022015). Collection method: clinical testing. Allele origin: germline.
Comment: This sequence change creates a premature translational stop signal (p.Gln1999*) in the SCN1A gene. While this is not anticipated to result in nonsense mediated decay, it is expected to disrupt the last 11 amino acid(s) of the SCN1A protein. This variant is present in population databases (no rsID available, gnomAD 0.007%). This variant has not been reported in the literature in individuals affected with SCN1A-related conditions. ClinVar contains an entry for this variant (Variation ID: 588859). Experimental studies and prediction algorithms are not available or were not evaluated, and the functional significance of this variant is currently unknown. In summary, the available evidence is currently insufficient to determine the role of this variant in disease. Therefore, it has been classified as a Variant of Uncertain Significance.

Blueprint Genetics
Classification: Uncertain significance. Last evaluated: 2024-02-07. Review status: criteria provided, single submitter. Criteria: ACMG Guidelines, 2015. Collection method: clinical testing. Allele origin: germline.

Ambry Genetics
Classification: Uncertain significance for Inborn genetic diseases. Last evaluated: 2017-02-27. Review status: criteria provided, single submitter. Criteria: Ambry Variant Classification Scheme 2023. Collection method: clinical testing. Allele origin: germline.
Comment: The p.Q1999* variant (also known as c.5995C>T), located in coding exon 26 of the SCN1A gene, results from a C to T substitution at nucleotide position 5995. This changes the amino acid from a glutamine to a stop codon within coding exon 26. Premature stop codons are typically deleterious in nature, however, this stop codon occurs at the 3' terminus and is not expected to trigger nonsense-mediated mRNA decay. This alteration impacts only the last 11 amino acids of the protein. The exact functional impact of these removed amino acids is unknown at this time. Based on the evidence at this time, the clinical significance of this alteration remains unclear.